The following is an entry in ClinVar:

NM_000136.3(FANCC):c.1252C>A (p.Pro418Thr)

Genes: AOPEP (aminopeptidase O (putative); plus strand), FANCC (FA complementation group C; minus strand). Cytogenetic location: 9q22.32.
Variant type: single nucleotide variant.
Coding change: c.1252C>A on transcript NM_000136.3 (MANE Select); coding-DNA position 1252, C replaced by A.
Protein change: p.Pro418Thr; replaces proline 418 with threonine.
Molecular consequence: missense variant.
Genome position (GRCh38, 1-based): chr9:95,111,540, G>T on the plus strand (C>A on the coding strand, the complement: FANCC is on the minus strand). VCF-style: chr9-95111540-G-T. GRCh37 (hg19) VCF-style: chr9-97873822-G-T.
Other names: c.1252C>A, p.Pro418Thr (NM_001243743.2, NM_001243744.2); short protein forms P418T.
Identifiers: ClinVar variation 1760992 (VCV001760992.3), dbSNP rs1284061457, ClinGen allele CA374107373.

ClinVar aggregate classification (germline): Uncertain significance (1 of 4 stars; one submission).

Conditions:
Hereditary cancer-predisposing syndrome. Also called: Neoplastic Syndromes, Hereditary; Tumor predisposition; Hereditary Cancer Syndrome; Hereditary neoplastic syndrome. Identifiers: Orphanet 140162, MedGen C0027672, MeSH D009386, MONDO:0015356.

Submission:

Ambry Genetics
Classification: Uncertain significance for Hereditary cancer-predisposing syndrome. Last evaluated: 2025-09-07. Review status: criteria provided, single submitter. Criteria: Ambry Variant Classification Scheme 2023. Collection method: clinical testing. Allele origin: germline.
Comment: The p.P418T variant (also known as c.1252C>A), located in coding exon 12 of the FANCC gene, results from a C to A substitution at nucleotide position 1252. The proline at codon 418 is replaced by threonine, an amino acid with highly similar properties. This amino acid position is conserved. In addition, this alteration is predicted to be tolerated by in silico analysis. Since supporting evidence is limited at this time, the clinical significance of this alteration remains unclear.